The following is an entry in ClinVar:

ClinVar aggregate classification (germline): Uncertain significance (1 of 4 stars; one submission).

Conditions:
Early-infantile DEE. Also called: Ohtahara syndrome; Early infantile epileptic encephalopathy with suppression bursts; Early infantile epileptic encephalopathy. Identifiers: Orphanet 1934, MedGen C0393706, MONDO:0800491.

Allele frequency attached by ClinVar (database versions not stated): TOPMed 0.00002; ESP Exome Variant Server 0.00008; gnomAD 0.00002.
gnomAD v4.1: 5 of 1,614,008 alleles (0.00031%); highest among the groups gnomAD compares: African/African-American, 0.004%; no homozygotes.

Submission:

Labcorp Genetics (formerly Invitae), Labcorp
Classification: Uncertain significance for Early-infantile DEE. Last evaluated: 2024-05-21. Review status: criteria provided, single submitter. Criteria: Invitae Variant Classification Sherloc (09022015). Collection method: clinical testing. Allele origin: germline.
Comment: This sequence change replaces arginine, which is basic and polar, with glutamine, which is neutral and polar, at codon 239 of the SPTAN1 protein (p.Arg239Gln). This variant is present in population databases (rs371148094, gnomAD 0.008%). This missense change has been observed in individual(s) with developmental and epileptic encephalopathy (Invitae). ClinVar contains an entry for this variant (Variation ID: 1961755). Advanced modeling of protein sequence and biophysical properties (such as structural, functional, and spatial information, amino acid conservation, physicochemical variation, residue mobility, and thermodynamic stability) has been performed at Invitae for this missense variant, however the output from this modeling did not meet the statistical confidence thresholds required to predict the impact of this variant on SPTAN1 protein function. This variant disrupts the p.Arg239 amino acid residue in SPTAN1. Other variant(s) that disrupt this residue have been observed in individuals with SPTAN1-related conditions (Invitae), which suggests that this may be a clinically significant amino acid residue. In summary, the available evidence is currently insufficient to determine the role of this variant in disease. Therefore, it has been classified as a Variant of Uncertain Significance.

NM_001130438.3(SPTAN1):c.716G>A (p.Arg239Gln)

Gene: SPTAN1 (spectrin alpha, non-erythrocytic 1; plus strand). Cytogenetic location: 9q34.11.
Variant type: single nucleotide variant.
Coding change: c.716G>A on transcript NM_001130438.3 (MANE Select); coding-DNA position 716, G replaced by A.
Protein change: p.Arg239Gln; replaces arginine 239 with glutamine.
Molecular consequence: missense variant.
Genome position (GRCh38, 1-based): chr9:128,576,887, G>A. VCF-style: chr9-128576887-G-A. GRCh37 (hg19) VCF-style: chr9-131339166-G-A.
Other names: c.716G>A, p.Arg239Gln (NM_001195532.2, NM_001363759.2, NM_001363765.2 and 5 more transcripts); c.752G>A, p.Arg251Gln (NM_001375312.2, NM_001375318.1); short protein forms R239Q, R251Q.
Identifiers: ClinVar variation 1961755 (VCV001961755.5), dbSNP rs371148094, ClinGen allele CA5264237.